The following is an entry in ClinVar:

ClinVar aggregate classification (germline): Uncertain significance. Review status: criteria provided, multiple submitters, no conflicts (2 of 4 stars). 3 submissions from 2 submitters: Uncertain significance (2). 1 of the submissions does not count toward it. Last evaluated 2025-04-15.

Conditions:
Hereditary spastic paraplegia 31. Also called: SPASTIC PARAPLEGIA 31, AUTOSOMAL DOMINANT. Identifiers: Orphanet 101011, MedGen C1853247, MONDO:0012453, OMIM 610250.
Neuronopathy, distal hereditary motor, type 5B. Also called: HMN VB; DHMN VB; NEURONOPATHY, DISTAL HEREDITARY MOTOR, HARDING TYPE VB; NEUROPATHY, DISTAL HEREDITARY MOTOR, HARDING TYPE VB; SPINAL MUSCULAR ATROPHY, DISTAL, HARDING TYPE VB. Identifiers: Orphanet 139536, MedGen C3553656, MONDO:0013884, OMIM 614751.

Submissions (3):

Clinical Genetics Laboratory, University Hospital Schleswig-Holstein
Classification: Uncertain significance for Hereditary spastic paraplegia 31. Last evaluated: 2025-04-15. Review status: criteria provided, single submitter. Criteria: ACMG Guidelines, 2015. Collection method: clinical testing. Allele origin: germline. Affected: yes. Observed: 1 heterozygote.
Comment: ACMG criteria applied: PM2, PP3, PP2, PP4

Labcorp Genetics (formerly Invitae), Labcorp
Classification: Uncertain significance for Hereditary spastic paraplegia 31. Last evaluated: 2022-01-29. Review status: criteria provided, single submitter. Criteria: Invitae Variant Classification Sherloc (09022015). Collection method: clinical testing. Allele origin: germline.
Comment: This missense change has been observed in individuals with autosomal dominant hereditary spastic paraplegia (PMID: 18644145). This variant is not present in population databases (gnomAD no frequency). This sequence change replaces threonine, which is neutral and polar, with lysine, which is basic and polar, at codon 55 of the REEP1 protein (p.Thr55Lys). ClinVar contains an entry for this variant (Variation ID: 857719). In summary, the available evidence is currently insufficient to determine the role of this variant in disease. Therefore, it has been classified as a Variant of Uncertain Significance. Experimental studies have shown that this missense change does not substantially affect REEP1 function (PMID: 24478229). Algorithms developed to predict the effect of missense changes on protein structure and function are either unavailable or do not agree on the potential impact of this missense change (SIFT: "Deleterious"; PolyPhen-2: "Possibly Damaging"; Align-GVGD: "Class C0").

Clinical Genetics Laboratory, University Hospital Schleswig-Holstein
Classification: Uncertain significance for Neuronopathy, distal hereditary motor, type 5B. Last evaluated: 2022-06-02. Review status: no assertion criteria provided. Collection method: clinical testing. Allele origin: germline. Affected: yes. Not counted in ClinVar's aggregate classification.

Literature cited by the submitters: PubMed 18644145 (cited by Labcorp Genetics (formerly Invitae), Labcorp); PubMed 24478229 (cited by Labcorp Genetics (formerly Invitae), Labcorp).

NM_001371279.1(REEP1):c.164C>A (p.Thr55Lys)

Gene: REEP1 (receptor accessory protein 1; minus strand). Cytogenetic location: 2p11.2.
Variant type: single nucleotide variant.
Coding change: c.164C>A on transcript NM_001371279.1 (MANE Select); coding-DNA position 164, C replaced by A.
Protein change: p.Thr55Lys; replaces threonine 55 with lysine.
Molecular consequence: missense variant.
Genome position (GRCh38, 1-based): chr2:86,263,983, G>T on the plus strand (C>A on the coding strand, the complement: REEP1 is on the minus strand). VCF-style: chr2-86263983-G-T. GRCh37 (hg19) VCF-style: chr2-86491106-G-T.
Other names: c.185C>A, p.Thr62Lys (NM_001164730.2); c.83C>A, p.Thr28Lys (NM_001164731.2); c.164C>A, p.Thr55Lys (NM_001164732.2, NM_001371280.1, NM_022912.3); short protein forms T55K, T28K, T62K.
Identifiers: ClinVar variation 857719 (VCV000857719.13), dbSNP rs1677004351, ClinGen allele CA347719949.